The following is an entry in ClinVar:

NM_000535.7(PMS2):c.1504G>A (p.Asp502Asn)

Gene: PMS2 (PMS1 homolog 2, mismatch repair system component; minus strand). Cytogenetic location: 7p22.1.
Variant type: single nucleotide variant.
Coding change: c.1504G>A on transcript NM_000535.7 (MANE Select); coding-DNA position 1504, G replaced by A.
Protein change: p.Asp502Asn; replaces aspartic acid 502 with asparagine.
Molecular consequence: missense variant. On other transcripts: non-coding transcript variant (1), intron variant (1).
Genome position (GRCh38, 1-based): chr7:5,987,261, C>T on the plus strand (G>A on the coding strand, the complement: PMS2 is on the minus strand). VCF-style: chr7-5987261-C-T. GRCh37 (hg19) VCF-style: chr7-6026892-C-T.
Other names: c.1099G>A, p.Asp367Asn (NM_001018040.1, NM_001322003.2, NM_001322004.2 and 17 more transcripts); c.1348G>A, p.Asp450Asn (NM_001322006.2, NM_001406870.1); c.1186G>A, p.Asp396Asn (NM_001322007.2, NM_001322008.2, NM_001406876.1 and 2 more transcripts); c.1504G>A, p.Asp502Asn (NM_001406871.1, NM_001406872.1, NM_001322014.2); c.1306G>A, p.Asp436Asn (NM_001406873.1); c.1336G>A, p.Asp446Asn (NM_001406874.1); c.1195G>A, p.Asp399Asn (NM_001406875.1, NM_001406877.1, NM_001406878.1 and 5 more transcripts); c.931G>A, p.Asp311Asn (NM_001406909.1, NM_001322013.2); and 13 more; short protein forms D311N, D347N, D367N, D394N, D396N, D399N, D436N, D564N.
Identifiers: ClinVar variation 2819549 (VCV002819549.3), dbSNP rs2128729191, ClinGen allele CA366741751.

ClinVar aggregate classification (germline): Uncertain significance (1 of 4 stars; one submission).

Conditions:
Hereditary nonpolyposis colorectal neoplasms. Identifiers: MedGen C0009405, MeSH D003123.

Submission:

Labcorp Genetics (formerly Invitae), Labcorp
Classification: Uncertain significance for Hereditary nonpolyposis colorectal neoplasms. Last evaluated: 2022-12-08. Review status: criteria provided, single submitter. Criteria: Invitae Variant Classification Sherloc (09022015). Collection method: clinical testing. Allele origin: germline.
Comment: In summary, the available evidence is currently insufficient to determine the role of this variant in disease. Therefore, it has been classified as a Variant of Uncertain Significance. This variant is not present in population databases (gnomAD no frequency). This variant has not been reported in the literature in individuals affected with PMS2-related conditions. Advanced modeling of protein sequence and biophysical properties (such as structural, functional, and spatial information, amino acid conservation, physicochemical variation, residue mobility, and thermodynamic stability) performed at Invitae indicates that this missense variant is not expected to disrupt PMS2 protein function. This sequence change replaces aspartic acid, which is acidic and polar, with asparagine, which is neutral and polar, at codon 502 of the PMS2 protein (p.Asp502Asn).